The following is an entry in ClinVar:

NM_001379081.2(FREM1):c.4377T>C (p.Asp1459=)

Gene: FREM1 (FRAS1 related extracellular matrix 1; minus strand). Cytogenetic location: 9p22.3.
Variant type: single nucleotide variant.
Coding change: c.4377T>C on transcript NM_001379081.2 (MANE Select); coding-DNA position 4377, T replaced by C.
Protein change: p.Asp1459=; no amino-acid change (aspartic acid 1459 retained).
Molecular consequence: synonymous variant. On other transcripts: non-coding transcript variant (1).
Genome position (GRCh38, 1-based): chr9:14,784,435, A>G on the plus strand (T>C on the coding strand, the complement: FREM1 is on the minus strand). VCF-style: chr9-14784435-A-G. GRCh37 (hg19) VCF-style: chr9-14784433-A-G.
Other names: c.4377T>C, p.Asp1459= (NM_144966.7).
Identifiers: ClinVar variation 366123 (VCV000366123.14), dbSNP rs148327330, ClinGen allele CA4990208.

ClinVar aggregate classification (germline): Benign/Likely benign. Review status: criteria provided, multiple submitters, no conflicts (2 of 4 stars). 3 submissions from 3 submitters: Benign (2); Likely benign (1). Last evaluated 2025-12-15.

Conditions:
Oculotrichoanal syndrome (MOTA). Also called: MARLES SYNDROME; Manitoba Oculotrichoanal (MOTA) Syndrome. Identifiers: Orphanet 2717, MedGen C1855425, MONDO:0009560, OMIM 248450.

Allele frequency attached by ClinVar (database versions not stated): gnomAD exomes 0.00033 and 0.00091; ExAC 0.00111; gnomAD 0.00332 and 0.00362; 1000 Genomes Project 0.00359; 1000 Genomes Project 30x 0.00390; TOPMed 0.00425; ESP Exome Variant Server 0.00445.
gnomAD v4.1: 1,030 of 1,613,862 alleles (0.064%); highest among the groups gnomAD compares: African/African-American, 1.2%; 7 homozygotes.

Submissions (3):

Labcorp Genetics (formerly Invitae), Labcorp
Classification: Benign. Last evaluated: 2025-12-15. Review status: criteria provided, single submitter. Criteria: Invitae Variant Classification Sherloc (09022015). Collection method: clinical testing. Allele origin: germline.

Blueprint Genetics
Classification: Likely benign. Last evaluated: 2024-10-09. Review status: criteria provided, single submitter. Criteria: ACMG Guidelines, 2015. Collection method: clinical testing. Allele origin: germline.

Illumina Laboratory Services, Illumina
Classification: Benign for Oculotrichoanal syndrome. Last evaluated: 2018-01-13. Review status: criteria provided, single submitter. Criteria: ICSL Variant Classification Criteria 13 December 2019. Collection method: clinical testing. Allele origin: germline.
Comment: This variant was observed in the ICSL laboratory as part of a predisposition screen in an ostensibly healthy population. It had not been previously curated by ICSL or reported in the Human Gene Mutation Database (HGMD: prior to June 1st, 2018), and was therefore a candidate for classification through an automated scoring system. Utilizing variant allele frequency, disease prevalence and penetrance estimates, and inheritance mode, an automated score was calculated to assess if this variant is too frequent to cause the disease. Based on the score and internal cut-off values, a variant classified as benign is not then subjected to further curation. The score for this variant resulted in a classification of benign for this disease.